The following is an entry in ClinVar:

NM_173689.7(CRB2):c.58C>T (p.Leu20=)

Gene: CRB2 (crumbs cell polarity complex component 2; plus strand). Cytogenetic location: 9q33.3.
Variant type: single nucleotide variant.
Coding change: c.58C>T on transcript NM_173689.7 (MANE Select); coding-DNA position 58, C replaced by T.
Protein change: p.Leu20=; no amino-acid change (leucine 20 retained).
Molecular consequence: synonymous variant.
Genome position (GRCh38, 1-based): chr9:123,356,318, C>T. VCF-style: chr9-123356318-C-T. GRCh37 (hg19) VCF-style: chr9-126118597-C-T.
Identifiers: ClinVar variation 1803629 (VCV001803629.1), dbSNP rs992216922, ClinGen allele CA199619131.

ClinVar aggregate classification (germline): Uncertain significance (1 of 4 stars; one submission).

Allele frequency attached by ClinVar (database versions not stated): gnomAD exomes below 0.00001; TOPMed below 0.00001.
gnomAD v4.1: 4 of 1,547,820 alleles (0.00026%); highest among the groups gnomAD compares: Non-Finnish European, 0.00026%; no homozygotes.

Submission:

GeneDx
Classification: Uncertain significance. Last evaluated: 2022-06-06. Review status: criteria provided, single submitter. Criteria: GeneDx Variant Classification Process June 2021. Collection method: clinical testing. Allele origin: germline. Affected: yes.
Comment: Not observed at significant frequency in large population cohorts (gnomAD); In silico analysis supports that this variant does not alter splicing; Has not been previously published as pathogenic or benign to our knowledge